The following is an entry in ClinVar:

ClinVar aggregate classification (germline): Likely benign (0 of 4 stars; one submission).

Conditions:
VPS13B-related disorder. Also called: VPS13B-related condition.

Submission:

PreventionGenetics, part of Exact Sciences
Classification: Likely benign for VPS13B-related condition. Last evaluated: 2024-02-20. Review status: no assertion criteria provided. Collection method: clinical testing. Allele origin: germline.
Comment: This variant is classified as likely benign based on ACMG/AMP sequence variant interpretation guidelines (Richards et al. 2015 PMID: 25741868, with internal and published modifications).

NM_152564.5(VPS13B):c.2515+16522_2515+16525del

Gene: VPS13B (vacuolar protein sorting 13 homolog B; plus strand). Cytogenetic location: 8q22.2.
Variant type: Deletion.
Coding change: c.2515+16522_2515+16525del on transcript NM_152564.5 (MANE Select); bases 16522 to 16525 of the intron after coding-DNA position 2515, 4 bases deleted (TTTT; older notation c.2515+16522_2515+16525delTTTT).
Molecular consequence: intron variant.
Genome position (GRCh38, 1-based): chr8:99,209,579-99,209,582, TTTT deleted; deleting any 4 consecutive bases within chr8:99,209,567-99,209,582 gives the same sequence; the c. name uses the placement nearest the transcript's 3' end. VCF-style (leftmost placement, unchanged base first): chr8-99209566-ATTTT-A. GRCh37 (hg19) VCF-style: chr8-100221794-ATTTT-A.
Other names: c.2515+16522_2515+16525del (NM_017890.5); c.2516-13_2516-10del (NM_015243.3).
Identifiers: ClinVar variation 3033304 (VCV003033304.2), dbSNP rs59727162, ClinGen allele CA583828477.